The following is an entry in ClinVar:

ClinVar aggregate classification (germline): Pathogenic (1 of 4 stars; one submission).

Conditions:
Recessive dystrophic epidermolysis bullosa (RDEB). Also called: DYSTROPHIC EPIDERMOLYSIS BULLOSA, AUTOSOMAL RECESSIVE; EPIDERMOLYSIS BULLOSA DYSTROPHICA, HALLOPEAU-SIEMENS TYPE; Hallopeau-Siemens Disease; severe generalized recessive dystrophic epidermolysis bullosa; EPIDERMOLYSIS BULLOSA DYSTROPHICA, GENERALIZED SEVERE, AUTOSOMAL RECESSIVE; Epidermolysis Bullosa Distrophica Autosomal Recessive (RDEB). Identifiers: Orphanet 79408, Orphanet 79409, MedGen C0079474, MONDO:0009179, OMIM 226600.

Submission:

Myriad Genetics, Inc.
Classification: Pathogenic for Recessive dystrophic epidermolysis bullosa. Last evaluated: 2025-12-21. Review status: criteria provided, single submitter. Criteria: Myriad Autosomal Dominant, Autosomal Recessive and X-Linked Classification Criteria (2023). Collection method: clinical testing. Allele origin: unknown.
Comment: NM_000094.3(COL7A1):c.3443delC(P1148Qfs*13) is expected to be pathogenic in the context of dystrophic epidermolysis bullosa. This variant is predicted to lead to an abnormal or absent protein product due to the creation of a premature termination codon in COL7A1, a gene where loss-of-function variants are known to be pathogenic. Please note: this variant was assessed in the context of healthy population screening.

NM_000094.4(COL7A1):c.3443del (p.Pro1148fs)

Gene: COL7A1 (collagen type VII alpha 1 chain; minus strand). Cytogenetic location: 3p21.31.
Variant type: Deletion.
Coding change: c.3443del on transcript NM_000094.4 (MANE Select); coding-DNA position 3443, one base deleted (C; older notation c.3443delC).
Protein change: p.Pro1148fs; shifts the reading frame from proline 1148.
Molecular consequence: frameshift variant.
Genome position (GRCh38, 1-based): chr3:48,586,439, G deleted on the plus strand (C on the coding strand, the reverse complement: COL7A1 is on the minus strand); the first of 2 consecutive G bases (chr3:48,586,439-48,586,440); deleting either gives the same sequence. VCF-style (leftmost placement, unchanged base first): chr3-48586438-TG-T. GRCh37 (hg19) VCF-style: chr3-48623871-TG-T.
Other names: short protein forms P1148fs.
Identifiers: ClinVar variation 5015355 (VCV005015355.1).
Genomic context (GRCh38, chr3:48,586,438, plus strand): 5'-GGGTTCATCCACTAGCAGAACCATCACCCCTGGTACGTGCTGGCGGCGCCCAGGAGCATC[TG>T]GTGCCAACATGTATCTGTGAGCTGTGACCACGGCTGTGCCTGGAAGGAAGGACATGTCAG-3'